The following is an entry in ClinVar:

ClinVar aggregate classification (germline): Uncertain significance. Review status: criteria provided, multiple submitters, no conflicts (2 of 4 stars). 3 submissions from 3 submitters: Uncertain significance (3). Last evaluated 2025-07-12.

Conditions:
Telangiectasia, hereditary hemorrhagic, type 2 (HHT2). Also called: ACVRL1-Related Hereditary Hemorrhagic Telangiectasia; Telangiectasia, hereditary hemorrhagic, type II. Identifiers: Orphanet 774, MedGen C1838163, MONDO:0010880, OMIM 600376. Disease mechanism: loss of function.

Allele frequency attached by ClinVar (database versions not stated): ExAC 0.00001; gnomAD 0.00001 and 0.00002; gnomAD exomes 0.00005 and 0.00004; 1000 Genomes Project 30x 0.00016; 1000 Genomes Project 0.00020; TOPMed 0.00003.

Submissions (3):

GeneDx
Classification: Uncertain significance. Last evaluated: 2025-07-12. Review status: criteria provided, single submitter. Criteria: GeneDx Variant Classification Process June 2021. Collection method: clinical testing. Allele origin: germline. Affected: yes.
Comment: Reported in a proband with idiopathic pulmonary arterial hypertension; however, detailed clinical information was not provided (PMID: 27884767); In silico analysis supports that this missense variant has a deleterious effect on protein structure/function; This variant is associated with the following publications: (PMID: 30680046, 27884767)

Fulgent Genetics
Classification: Uncertain significance for Telangiectasia, hereditary hemorrhagic, type 2. Last evaluated: 2024-03-28. Review status: criteria provided, single submitter. Criteria: ACMG Guidelines, 2015. Collection method: clinical testing. Allele origin: germline.

Illumina Laboratory Services, Illumina
Classification: Uncertain significance for Telangiectasia, hereditary hemorrhagic, type 2. Last evaluated: 2018-01-12. Review status: criteria provided, single submitter. Criteria: ICSL Variant Classification Criteria 13 December 2019. Collection method: clinical testing. Allele origin: germline.

NM_000020.3(ACVRL1):c.722G>A (p.Arg241Gln)

Gene: ACVRL1 (activin A receptor like type 1; plus strand). Cytogenetic location: 12q13.13.
Variant type: single nucleotide variant.
Coding change: c.722G>A on transcript NM_000020.3 (MANE Select); coding-DNA position 722, G replaced by A.
Protein change: p.Arg241Gln; replaces arginine 241 with glutamine.
Molecular consequence: missense variant.
Genome position (GRCh38, 1-based): chr12:51,914,535, G>A. VCF-style: chr12-51914535-G-A. GRCh37 (hg19) VCF-style: chr12-52308319-G-A.
Other names: c.722G>A, p.Arg241Gln (NM_001077401.2); short protein forms R241Q.
Identifiers: ClinVar variation 883002 (VCV000883002.6), dbSNP rs202062929, ClinGen allele CA6572977.